The following is an entry in ClinVar:

NM_001283009.2(RTEL1):c.1697T>C (p.Met566Thr)

Genes: RTEL1 (regulator of telomere elongation helicase 1; plus strand), RTEL1-TNFRSF6B (RTEL1-TNFRSF6B readthrough (NMD candidate); plus strand). Cytogenetic location: 20q13.33.
Variant type: single nucleotide variant.
Coding change: c.1697T>C on transcript NM_001283009.2 (MANE Select); coding-DNA position 1697, T replaced by C.
Protein change: p.Met566Thr; replaces methionine 566 with threonine.
Molecular consequence: missense variant. On other transcripts: non-coding transcript variant (1).
Genome position (GRCh38, 1-based): chr20:63,688,361, T>C. VCF-style: chr20-63688361-T-C. GRCh37 (hg19) VCF-style: chr20-62319714-T-C.
Other names: c.1028T>C, p.Met343Thr (NM_001283010.1); c.1697T>C, p.Met566Thr (NM_016434.4); c.1769T>C, p.Met590Thr (NM_032957.5); c.1769T>C (NM_032957.4); short protein forms M343T, M566T, M590T.
Identifiers: ClinVar variation 3602805 (VCV003602805.2).

ClinVar aggregate classification (germline): Uncertain significance. Review status: criteria provided, multiple submitters, no conflicts (2 of 4 stars). 2 submissions from 2 submitters: Uncertain significance (2). Last evaluated 2025-05-28.

Conditions:
Inborn genetic diseases. Identifiers: MedGen C0950123, MeSH D030342.

gnomAD v4.1: 2 of 1,612,398 alleles (0.00012%); highest among the groups gnomAD compares: Non-Finnish European, 0.00017%; no homozygotes.

Submissions (2):

Ambry Genetics
Classification: Uncertain significance for Inborn genetic diseases. Last evaluated: 2025-05-28. Review status: criteria provided, single submitter. Criteria: Ambry Variant Classification Scheme 2023. Collection method: clinical testing. Allele origin: germline.

GeneDx
Classification: Uncertain significance. Last evaluated: 2024-08-06. Review status: criteria provided, single submitter. Criteria: GeneDx Variant Classification Process June 2021. Collection method: clinical testing. Allele origin: germline. Affected: yes.
Comment: Not observed at significant frequency in large population cohorts (gnomAD); In silico analysis supports that this missense variant has a deleterious effect on protein structure/function; Has not been previously published as pathogenic or benign to our knowledge